The following is an entry in ClinVar:

ClinVar aggregate classification (germline): Uncertain significance. Review status: criteria provided, multiple submitters, no conflicts (2 of 4 stars). 2 submissions from 2 submitters: Uncertain significance (2). Last evaluated 2025-02-13.

Conditions:
Encephalopathy, acute, infection-induced (herpes-specific), susceptibility to, 1. Also called: Herpes simplex encephalitis, susceptibility to, 1. Identifiers: Orphanet 1930, MedGen C2750180, MONDO:0024563, OMIM 610551.

Allele frequency attached by ClinVar (database versions not stated): gnomAD exomes 0.00003 and 0.00007; gnomAD 0.00005 and 0.00006; ExAC 0.00003; TOPMed 0.00006.

Submissions (2):

Ambry Genetics
Classification: Uncertain significance. Last evaluated: 2025-02-13. Review status: criteria provided, single submitter. Criteria: Ambry Variant Classification Scheme 2023. Collection method: clinical testing. Allele origin: germline.

Labcorp Genetics (formerly Invitae), Labcorp
Classification: Uncertain significance for Encephalopathy, acute, infection-induced (herpes-specific), susceptibility to, 1. Last evaluated: 2022-08-13. Review status: criteria provided, single submitter. Criteria: Invitae Variant Classification Sherloc (09022015). Collection method: clinical testing. Allele origin: germline.
Comment: This sequence change replaces alanine, which is neutral and non-polar, with threonine, which is neutral and polar, at codon 233 of the UNC93B1 protein (p.Ala233Thr). This variant is present in population databases (rs527745192, gnomAD 0.06%). This variant has not been reported in the literature in individuals affected with UNC93B1-related conditions. ClinVar contains an entry for this variant (Variation ID: 1397926). Experimental studies and prediction algorithms are not available or were not evaluated, and the functional significance of this variant is currently unknown. In summary, the available evidence is currently insufficient to determine the role of this variant in disease. Therefore, it has been classified as a Variant of Uncertain Significance.

NM_030930.4(UNC93B1):c.697G>A (p.Ala233Thr)

Gene: UNC93B1 (unc-93B1 regulator of TLR signaling; minus strand). Cytogenetic location: 11q13.2.
Variant type: single nucleotide variant.
Coding change: c.697G>A on transcript NM_030930.4 (MANE Select); coding-DNA position 697, G replaced by A.
Protein change: p.Ala233Thr; replaces alanine 233 with threonine.
Molecular consequence: missense variant.
Genome position (GRCh38, 1-based): chr11:67,998,443, C>T on the plus strand (G>A on the coding strand, the complement: UNC93B1 is on the minus strand). VCF-style: chr11-67998443-C-T. GRCh37 (hg19) VCF-style: chr11-67765913-C-T.
Other names: c.697G>A (NM_030930.2); short protein forms A233T.
Identifiers: ClinVar variation 1397926 (VCV001397926.5), dbSNP rs527745192, ClinGen allele CA6145546.
Genomic context (GRCh38, chr11:67,998,443, plus strand): 5'-TGTGGTTCAGGTCATACAGGTAGTGGTTCAGGAAATAAATCATGGGCAGCTGGGCGCAGG[C>T]GAAGCTCAGCTGCAGAAACAAGGGCAGTTGGGACCAGACTCAGGCACAGAGCCAGGCAAG-3'
Protein context (NP_112192.2, residues 223-243): IFYSFFHLSF[Ala233Thr]CAQLPMIYFL